The following is an entry in ClinVar:

ClinVar aggregate classification (germline): Uncertain significance. Review status: criteria provided, multiple submitters, no conflicts (2 of 4 stars). 2 submissions from 2 submitters: Uncertain significance (2). Last evaluated 2022-01-31.

Conditions:
Atrial fibrillation, familial, 18 (ATFB18). Identifiers: MedGen C4310636, MONDO:0015001, OMIM 617280.

Allele frequency attached by ClinVar (database versions not stated): gnomAD 0.00001; TOPMed 0.00002.

Submissions (2):

Ambry Genetics
Classification: Uncertain significance. Last evaluated: 2022-01-31. Review status: criteria provided, single submitter. Criteria: Ambry Variant Classification Scheme 2023. Collection method: clinical testing. Allele origin: germline.

Labcorp Genetics (formerly Invitae), Labcorp
Classification: Uncertain significance for Atrial fibrillation, familial, 18. Last evaluated: 2020-11-04. Review status: criteria provided, single submitter. Criteria: Invitae Variant Classification Sherloc (09022015). Collection method: clinical testing. Allele origin: germline.
Comment: This sequence change replaces cysteine with arginine at codon 78 of the MYL4 protein (p.Cys78Arg). The cysteine residue is moderately conserved and there is a large physicochemical difference between cysteine and arginine. This variant is not present in population databases (ExAC no frequency). This variant has not been reported in the literature in individuals with MYL4-related conditions. Algorithms developed to predict the effect of missense changes on protein structure and function are either unavailable or do not agree on the potential impact of this missense change (SIFT: "Deleterious"; PolyPhen-2: "Probably Damaging"; Align-GVGD: "Class C0"). In summary, the available evidence is currently insufficient to determine the role of this variant in disease. Therefore, it has been classified as a Variant of Uncertain Significance.

NM_002476.2(MYL4):c.232T>C (p.Cys78Arg)

Gene: MYL4 (myosin light chain 4; plus strand). Cytogenetic location: 17q21.32.
Variant type: single nucleotide variant.
Coding change: c.232T>C on transcript NM_002476.2 (MANE Select); coding-DNA position 232, T replaced by C.
Protein change: p.Cys78Arg; replaces cysteine 78 with arginine.
Molecular consequence: missense variant.
Genome position (GRCh38, 1-based): chr17:47,219,972, T>C. VCF-style: chr17-47219972-T-C. GRCh37 (hg19) VCF-style: chr17-45297338-T-C.
Other names: c.232T>C, p.Cys78Arg (NM_001002841.2); c.232T>C (NM_001002841.1); short protein forms C78R.
Identifiers: ClinVar variation 1498777 (VCV001498777.9), dbSNP rs968794341, ClinGen allele CA291225154.